The following is an entry in ClinVar:

ClinVar aggregate classification (germline): Uncertain significance (1 of 4 stars; one submission).

Conditions:
Ataxia-telangiectasia syndrome (AT). Also called: ATAXIA-TELANGIECTASIA, COMPLEMENTATION GROUP A; ATAXIA-TELANGIECTASIA, FRESNO VARIANT; Ataxia-telangiectasia; Ataxia-telangiectasia, complementation group D; AT, COMPLEMENTATION GROUP C; Ataxia-telangiectasia, complementation group E. Identifiers: Orphanet 100, MedGen C0004135, MONDO:0008840, OMIM 208900.

Submission:

Labcorp Genetics (formerly Invitae), Labcorp
Classification: Uncertain significance for Ataxia-telangiectasia syndrome. Last evaluated: 2019-02-14. Review status: criteria provided, single submitter. Criteria: Invitae Variant Classification Sherloc (09022015). Collection method: clinical testing. Allele origin: germline.
Comment: This variant is not present in population databases (ExAC no frequency). This sequence change falls in intron 53 of the ATM gene. It does not directly change the encoded amino acid sequence of the ATM protein, but it affects a nucleotide within the consensus splice site of the intron. This variant has not been reported in the literature in individuals with ATM-related conditions. In summary, the available evidence is currently insufficient to determine the role of this variant in disease. Therefore, it has been classified as a Variant of Uncertain Significance. Nucleotide substitutions within the consensus splice site are a relatively common cause of aberrant splicing (PMID: 17576681, 9536098). Algorithms developed to predict the effect of sequence changes on RNA splicing suggest that this variant may disrupt the consensus splice site, but this prediction has not been confirmed by published transcriptional studies.

Literature cited by the submitters: PubMed 17576681; PubMed 9536098.

NM_000051.4(ATM):c.7927+5G>T

Genes: ATM (ATM serine/threonine kinase; plus strand), C11orf65 (chromosome 11 open reading frame 65; minus strand). Cytogenetic location: 11q22.3.
Variant type: single nucleotide variant.
Coding change: c.7927+5G>T on transcript NM_000051.4 (MANE Select); 5 bases into the intron after coding-DNA position 7927, G replaced by T.
Molecular consequence: intron variant.
Genome position (GRCh38, 1-based): chr11:108,332,905, G>T. VCF-style: chr11-108332905-G-T. GRCh37 (hg19) VCF-style: chr11-108203632-G-T.
Other names: c.7927+5G>T (NM_001351834.2); c.641-23834C>A (NM_001330368.2); c.*38+2315C>A (NM_001351110.2).
Identifiers: ClinVar variation 852247 (VCV000852247.8), dbSNP rs1299306446, ClinGen allele CA916080459.